The following is an entry in ClinVar:

ClinVar aggregate classification (germline): Likely pathogenic (1 of 4 stars; one submission).

Conditions:
PSMD12-related disorder. Also called: PSMD12-related condition.

Submission:

PreventionGenetics, part of Exact Sciences
Classification: Likely pathogenic for PSMD12-related condition. Last evaluated: 2022-11-04. Review status: criteria provided, single submitter. Criteria: ACMG Guidelines, 2015. Collection method: clinical testing. Allele origin: germline.
Comment: The PSMD12 c.435_438delGACT variant is predicted to result in a frameshift and premature protein termination (p.Thr146Lysfs*3). This variant has been reported as arising de novo in an individual with Stankiewicz-Isidor syndrome (Isidor et al. 2022. PubMed ID: 34906456). This variant has not been reported in a large population database, indicating this variant is rare. Frameshift variants in PSMD12 are expected to be pathogenic. Given the evidence, we interpret c.435_438del (p.Thr146Lysfs*3) as likely pathogenic.

NM_002816.5(PSMD12):c.435_438del (p.Thr146fs)

Gene: PSMD12 (proteasome 26S subunit, non-ATPase 12; minus strand). Cytogenetic location: 17q24.2.
Variant type: Microsatellite.
Coding change: c.435_438del on transcript NM_002816.5 (MANE Select); coding-DNA positions 435 to 438, 4 bases deleted (GACT; older notation c.435_438delGACT).
Protein change: p.Thr146fs; shifts the reading frame from threonine 146.
Molecular consequence: frameshift variant.
Genome position (GRCh38, 1-based): chr17:67,348,622-67,348,625, AGTC deleted on the plus strand (GACT on the coding strand, the reverse complement: PSMD12 is on the minus strand); deleting any 4 consecutive bases within chr17:67,348,622-67,348,629 gives the same sequence; the c. name uses the placement nearest the transcript's 3' end. VCF-style (leftmost placement, unchanged base first): chr17-67348621-TAGTC-T. GRCh37 (hg19) VCF-style: chr17-65344737-TAGTC-T.
Other names: c.258_261del, p.Thr87fs (NM_001316341.2); c.375_378del, p.Thr126fs (NM_174871.4); short protein forms T126fs, T146fs, T87fs.
Identifiers: ClinVar variation 2635486 (VCV002635486.1), dbSNP rs2509685660, ClinGen allele CA2695200327.